The following is an entry in ClinVar:

NM_001244008.2(KIF1A):c.1414A>T (p.Met472Leu)

Gene: KIF1A (kinesin family member 1A; minus strand). Cytogenetic location: 2q37.3.
Variant type: single nucleotide variant.
Coding change: c.1414A>T on transcript NM_001244008.2 (MANE Select); coding-DNA position 1414, A replaced by T.
Protein change: p.Met472Leu; replaces methionine 472 with leucine.
Molecular consequence: missense variant.
Genome position (GRCh38, 1-based): chr2:240,769,634, T>A on the plus strand (A>T on the coding strand, the complement: KIF1A is on the minus strand). VCF-style: chr2-240769634-T-A. GRCh37 (hg19) VCF-style: chr2-241709051-T-A.
Other names: c.1414A>T, p.Met472Leu (NM_001320705.2, NM_001330289.2, NM_001379638.1); c.1489A>T, p.Met497Leu (NM_001330290.2, NM_001379631.1, NM_001379634.1 and 2 more transcripts); c.1387A>T, p.Met463Leu (NM_001379632.1, NM_001379633.1, NM_001379636.1 and 10 more transcripts); c.1462A>T, p.Met488Leu (NM_001379637.1, NM_001379648.1); short protein forms M463L, M472L, M488L, M497L.
Identifiers: ClinVar variation 1422367 (VCV001422367.8), dbSNP rs2051687232, ClinGen allele CA351329780.

ClinVar aggregate classification (germline): Uncertain significance (1 of 4 stars; one submission).

Conditions:
Hereditary spastic paraplegia 30. Identifiers: Orphanet 101010, MedGen C5235139, MONDO:0012476.
Neuropathy, hereditary sensory, type 2C. Also called: Hereditary sensory and autonomic neuropathy type IIC; KIF1A-Related HSAN2 (HSAN2C). Identifiers: Orphanet 970, MedGen C3280168, MONDO:0013634, OMIM 614213.
Intellectual disability, autosomal dominant 9 (NESCAVS). Also called: NESCAV SYNDROME; KIF1A-Related Neurodevelopmental Disorder. Identifiers: Orphanet 662367, MedGen C5393830, MONDO:0013656, OMIM 614255.

Allele frequency attached by ClinVar (database versions not stated): gnomAD exomes below 0.00001.
gnomAD v4.1: 2 of 1,613,226 alleles (0.00012%); highest among the groups gnomAD compares: African/African-American, 0.0027%; no homozygotes.

Submission:

Labcorp Genetics (formerly Invitae), Labcorp
Classification: Uncertain significance for Hereditary spastic paraplegia 30; Neuropathy, hereditary sensory, type 2C; Intellectual disability, autosomal dominant 9. Last evaluated: 2023-08-24. Review status: criteria provided, single submitter. Criteria: Invitae Variant Classification Sherloc (09022015). Collection method: clinical testing. Allele origin: germline.
Comment: In summary, the available evidence is currently insufficient to determine the role of this variant in disease. Therefore, it has been classified as a Variant of Uncertain Significance. Advanced modeling of protein sequence and biophysical properties (such as structural, functional, and spatial information, amino acid conservation, physicochemical variation, residue mobility, and thermodynamic stability) performed at Invitae indicates that this missense variant is expected to disrupt KIF1A protein function. ClinVar contains an entry for this variant (Variation ID: 1422367). This variant has not been reported in the literature in individuals affected with KIF1A-related conditions. This variant is not present in population databases (gnomAD no frequency). This sequence change replaces methionine, which is neutral and non-polar, with leucine, which is neutral and non-polar, at codon 463 of the KIF1A protein (p.Met463Leu).